The following is an entry in ClinVar:

NM_017780.4(CHD7):c.5701C>T (p.Leu1901Phe)

Gene: CHD7 (chromodomain helicase DNA binding protein 7; plus strand). Cytogenetic location: 8q12.2.
Variant type: single nucleotide variant.
Coding change: c.5701C>T on transcript NM_017780.4 (MANE Select); coding-DNA position 5701, C replaced by T.
Protein change: p.Leu1901Phe; replaces leucine 1901 with phenylalanine.
Molecular consequence: missense variant. On other transcripts: intron variant (1).
Genome position (GRCh38, 1-based): chr8:60,852,054, C>T. VCF-style: chr8-60852054-C-T. GRCh37 (hg19) VCF-style: chr8-61764613-C-T.
Other names: c.1717-10175C>T (NM_001316690.1); short protein forms L1901F.
Identifiers: ClinVar variation 1723778 (VCV001723778.2), dbSNP rs2488029290, ClinGen allele CA371322424.
Genomic context (GRCh38, chr8:60,852,054, plus strand): 5'-CAAAAATGTTTTTCCACTTCCCCAGGCAAGCACAGTGAGAGTAATGCTGAGTTAGGCCAA[C>T]TTTACTGGCCTAACACTTCAACCCTGACTACACGTCTGCGCCGGCTCATTACTGCCTATC-3'
Protein context (NP_060250.2, residues 1891-1911): HSESNAELGQ[Leu1901Phe]YWPNTSTLTT

ClinVar aggregate classification (germline): Uncertain significance (1 of 4 stars; one submission).

Submission:

GeneDx
Classification: Uncertain significance. Last evaluated: 2022-05-09. Review status: criteria provided, single submitter. Criteria: GeneDx Variant Classification Process June 2021. Collection method: clinical testing. Allele origin: germline. Affected: yes.
Comment: Not observed at significant frequency in large population cohorts (gnomAD); In silico analysis supports that this missense variant does not alter protein structure/function; Has not been previously published as pathogenic or benign to our knowledge